The following is an entry in ClinVar:

ClinVar aggregate classification (germline): Likely benign. Review status: criteria provided, single submitter (1 of 4 stars). 2 submissions from 2 submitters: Likely benign (1). 1 of the submissions does not count toward it. Last evaluated 2025-11-25.

Conditions:
CSF2RB-related disorder. Also called: CSF2RB-related condition.

Allele frequency attached by ClinVar (database versions not stated): TOPMed 0.00014; gnomAD 0.00020 and 0.00021; gnomAD exomes 0.00028 and 0.00032; ExAC 0.00033; ESP Exome Variant Server 0.00046; 1000 Genomes Project 30x 0.00062; 1000 Genomes Project 0.00080.

Submissions (2):

Labcorp Genetics (formerly Invitae), Labcorp
Classification: Likely benign. Last evaluated: 2025-11-25. Review status: criteria provided, single submitter. Criteria: Invitae Variant Classification Sherloc (09022015). Collection method: clinical testing. Allele origin: germline.

PreventionGenetics, part of Exact Sciences
Classification: Likely benign for CSF2RB-related condition. Last evaluated: 2019-08-21. Review status: no assertion criteria provided. Collection method: clinical testing. Allele origin: germline. Not counted in ClinVar's aggregate classification.
Comment: This variant is classified as likely benign based on ACMG/AMP sequence variant interpretation guidelines (Richards et al. 2015 PMID: 25741868, with internal and published modifications).

NM_000395.3(CSF2RB):c.2490C>T (p.Pro830=)

Gene: CSF2RB (colony stimulating factor 2 receptor subunit beta; plus strand). Cytogenetic location: 22q12.3.
Variant type: single nucleotide variant.
Coding change: c.2490C>T on transcript NM_000395.3 (MANE Select); coding-DNA position 2490, C replaced by T.
Protein change: p.Pro830=; no amino-acid change (proline 830 retained).
Molecular consequence: synonymous variant.
Genome position (GRCh38, 1-based): chr22:36,938,298, C>T. VCF-style: chr22-36938298-C-T. GRCh37 (hg19) VCF-style: chr22-37334340-C-T.
Other names: c.2490C>T (NM_000395.2).
Identifiers: ClinVar variation 1582803 (VCV001582803.10), dbSNP rs143285765, ClinGen allele CA10214135.
Genomic context (GRCh38, chr22:36,938,298, plus strand): 5'-CGAGGGCCTCCTTGTCCTGCAGCAAGTGGGCGACTATTGCTTCCTCCCCGGCCTGGGGCC[C>T]GGCCCTCTCTCGCTCCGGAGTAAACCTTCTTCCCCGGGACCCGGTCCTGAGATCAAGAAC-3'
Protein context (NP_000386.1, residues 820-840): GDYCFLPGLG[Pro830=]GPLSLRSKPS